The following is an entry in ClinVar:

ClinVar aggregate classification (germline): Uncertain significance (1 of 4 stars; one submission).

Submission:

Labcorp Genetics (formerly Invitae), Labcorp
Classification: Uncertain significance. Last evaluated: 2025-01-20. Review status: criteria provided, single submitter. Criteria: Invitae Variant Classification Sherloc (09022015). Collection method: clinical testing. Allele origin: germline.
Comment: This sequence change replaces valine, which is neutral and non-polar, with alanine, which is neutral and non-polar, at codon 71 of the SYT2 protein (p.Val71Ala). This variant is not present in population databases (gnomAD no frequency). This variant has not been reported in the literature in individuals affected with SYT2-related conditions. Invitae Evidence Modeling of protein sequence and biophysical properties (such as structural, functional, and spatial information, amino acid conservation, physicochemical variation, residue mobility, and thermodynamic stability) indicates that this missense variant is not expected to disrupt SYT2 protein function with a negative predictive value of 80%. In summary, the available evidence is currently insufficient to determine the role of this variant in disease. Therefore, it has been classified as a Variant of Uncertain Significance.

NM_177402.5(SYT2):c.212T>C (p.Val71Ala)

Gene: SYT2 (synaptotagmin 2; minus strand). Cytogenetic location: 1q32.1.
Variant type: single nucleotide variant.
Coding change: c.212T>C on transcript NM_177402.5 (MANE Select); coding-DNA position 212, T replaced by C.
Protein change: p.Val71Ala; replaces valine 71 with alanine.
Molecular consequence: missense variant.
Genome position (GRCh38, 1-based): chr1:202,604,588, A>G on the plus strand (T>C on the coding strand, the complement: SYT2 is on the minus strand). VCF-style: chr1-202604588-A-G. GRCh37 (hg19) VCF-style: chr1-202573716-A-G.
Other names: c.212T>C, p.Val71Ala (NM_001136504.1); short protein forms V71A.
Identifiers: ClinVar variation 3615483 (VCV003615483.2).